The following is an entry in ClinVar:

NM_001039141.3(TRIOBP):c.3266del (p.Pro1089fs)

Gene: TRIOBP (TRIO and F-actin binding protein; plus strand). Cytogenetic location: 22q13.1.
Variant type: Deletion.
Coding change: c.3266del on transcript NM_001039141.3 (MANE Select); coding-DNA position 3266, one base deleted (C; older notation c.3266delC).
Protein change: p.Pro1089fs; shifts the reading frame from proline 1089.
Molecular consequence: frameshift variant.
Genome position (GRCh38, 1-based): chr22:37,725,822, C deleted; the last of 3 consecutive C bases (chr22:37,725,820-37,725,822); deleting any one gives the same sequence. VCF-style (leftmost placement, unchanged base first): chr22-37725819-TC-T. GRCh37 (hg19) VCF-style: chr22-38121826-TC-T.
Other names: short protein forms P1089fs.
Identifiers: ClinVar variation 4769765 (VCV004769765.1).

ClinVar aggregate classification (germline): Pathogenic (1 of 4 stars; one submission).

Submission:

Labcorp Genetics (formerly Invitae), Labcorp
Classification: Pathogenic. Last evaluated: 2025-10-07. Review status: criteria provided, single submitter. Criteria: Invitae Variant Classification Sherloc (09022015). Collection method: clinical testing. Allele origin: germline.
Comment: This sequence change creates a premature translational stop signal (p.Pro1089Glnfs*124) in the TRIOBP gene. It is expected to result in an absent or disrupted protein product. Loss-of-function variants in TRIOBP are known to be pathogenic (PMID: 16385457, 16385458, 20510926). This variant is not present in population databases (gnomAD no frequency). This variant has not been reported in the literature in individuals affected with TRIOBP-related conditions. For these reasons, this variant has been classified as Pathogenic.

Literature cited by the submitters: PubMed 16385457; PubMed 16385458; PubMed 20510926.